The following is an entry in ClinVar:

NM_001130987.2(DYSF):c.5174+4C>G

Gene: DYSF (dysferlin; plus strand). Cytogenetic location: 2p13.2.
Variant type: single nucleotide variant.
Coding change: c.5174+4C>G on transcript NM_001130987.2 (MANE Select); 4 bases into the intron after coding-DNA position 5174, C replaced by G.
Molecular consequence: intron variant.
Genome position (GRCh38, 1-based): chr2:71,664,442, C>G. VCF-style: chr2-71664442-C-G. GRCh37 (hg19) VCF-style: chr2-71891572-C-G.
Other names: c.5150+4C>G (NM_001130979.2); c.5171+4C>G (NM_001130981.2); c.5108+4C>G (NM_001130980.2); c.5120+4C>G (NM_001130978.2); c.5057+4C>G (NM_003494.4); c.5078+4C>G (NM_001130977.2); c.5015+4C>G (NM_001130976.2); c.5153+4C>G (NM_001130982.2); and 5 more.
Identifiers: ClinVar variation 843136 (VCV000843136.3), dbSNP rs781575037, ClinGen allele CA533655851.
Genomic context (GRCh38, chr2:71,664,442, plus strand): 5'-GAACAGGCTGCTGTCCAAGTTTGGGGCTCGCTGTGGACTCCCACAGACCTACTGTGTGTA[C>G]GTGGATGGGGGCTGGCTGCCTGCTTCTCTGACAACACACCACCCCTGTCTTCTCTGACAA-3'

ClinVar aggregate classification (germline): Uncertain significance (1 of 4 stars; one submission).

Conditions:
Neuromuscular disease caused by qualitative or quantitative defects of dysferlin. Also called: Qualitative or quantitative defects of dysferlin; Dysferlinopathy. Identifiers: Orphanet 207073, MedGen C2931687, MONDO:0016145.

Allele frequency attached by ClinVar (database versions not stated): gnomAD 0.00001.
gnomAD v4.1: 12 of 1,613,820 alleles (0.00074%); highest among the groups gnomAD compares: Non-Finnish European, 0.001%; no homozygotes.

Submission:

Labcorp Genetics (formerly Invitae), Labcorp
Classification: Uncertain significance for Neuromuscular disease caused by qualitative or quantitative defects of dysferlin. Last evaluated: 2022-02-04. Review status: criteria provided, single submitter. Criteria: Invitae Variant Classification Sherloc (09022015). Collection method: clinical testing. Allele origin: germline.
Comment: This sequence change falls in intron 45 of the DYSF gene. It does not directly change the encoded amino acid sequence of the DYSF protein. It affects a nucleotide within the consensus splice site. This variant is present in population databases (no rsID available, gnomAD 0.0009%). This variant has not been reported in the literature in individuals affected with DYSF-related conditions. ClinVar contains an entry for this variant (Variation ID: 843136). Variants that disrupt the consensus splice site are a relatively common cause of aberrant splicing (PMID: 17576681, 9536098). Algorithms developed to predict the effect of sequence changes on RNA splicing suggest that this variant may disrupt the consensus splice site. In summary, the available evidence is currently insufficient to determine the role of this variant in disease. Therefore, it has been classified as a Variant of Uncertain Significance.

Literature cited by the submitters: PubMed 17576681; PubMed 9536098.